The following is an entry in ClinVar:

NM_014847.4(UBAP2L):c.1440G>A (p.Pro480=)

Gene: UBAP2L (ubiquitin associated protein 2 like; plus strand). Cytogenetic location: 1q21.3.
Variant type: single nucleotide variant.
Coding change: c.1440G>A on transcript NM_014847.4 (MANE Select); coding-DNA position 1440, G replaced by A.
Protein change: p.Pro480=; no amino-acid change (proline 480 retained).
Molecular consequence: synonymous variant.
Genome position (GRCh38, 1-based): chr1:154,251,267, G>A. VCF-style: chr1-154251267-G-A. GRCh37 (hg19) VCF-style: chr1-154223743-G-A.
Other names: c.1440G>A, p.Pro480= (NM_001375630.1, NM_001375631.1, NM_001375623.1 and 14 more transcripts); c.1473G>A, p.Pro491= (NM_001375625.1, NM_001287816.1, NM_001330730.1 and 2 more transcripts); c.1419G>A, p.Pro473= (NM_001287815.1).
Identifiers: ClinVar variation 3778242 (VCV003778242.7).
Genomic context (GRCh38, chr1:154,251,267, plus strand): 5'-CACATCGGCTCCACAGATGTCGCCTGGATCTTCAGACAACCAGTCCTCTAGCCCTCAGCC[G>A]GCTCAGCAGAAACTGAAACAGCAGAAGAAAAAAGCCTCCTTGACTTCTAAGGTACTTAAA-3'
Protein context (NP_055662.3, residues 470-490): SSDNQSSSPQ[Pro480=]AQQKLKQQKK

ClinVar aggregate classification (germline): Likely benign (1 of 4 stars; one submission).

gnomAD v4.1: 23 of 1,613,988 alleles (0.0014%); highest among the groups gnomAD compares: African/African-American, 0.0027%; no homozygotes.

Submission:

CeGaT Center for Human Genetics Tuebingen
Classification: Likely benign. Last evaluated: 2025-03-01. Review status: criteria provided, single submitter. Criteria: CeGaT Center For Human Genetics Tuebingen Variant Classification Criteria Version 2. Collection method: clinical testing. Allele origin: germline. Affected: yes. Observed: 1 variant allele.
Comment: UBAP2L: BP4, BP7